The following is an entry in ClinVar:

ClinVar aggregate classification (germline): Pathogenic (1 of 4 stars; one submission).

Conditions:
Neurofibromatosis, type 1 (NF1). Also called: NEUROFIBROMATOSIS, TYPE I, SOMATIC; VON RECKLINGHAUSEN DISEASE; Peripheral type neurofibromatosis; Neurofibromatosis, type I. Identifiers: Orphanet 636, MedGen C0027831, MONDO:0018975, OMIM 162200. Disease mechanism: loss of function.

Submission:

Labcorp Genetics (formerly Invitae), Labcorp
Classification: Pathogenic for Neurofibromatosis, type 1. Last evaluated: 2025-05-07. Review status: criteria provided, single submitter. Criteria: Invitae Variant Classification Sherloc (09022015). Collection method: clinical testing. Allele origin: germline.
Comment: This variant results in the deletion of part of exon 15 (c.1642-1_1663del) of the NF1 gene. It is expected to disrupt RNA splicing. Variants that disrupt the donor or acceptor splice site typically lead to a loss of protein function (PMID: 16199547), and loss-of-function variants in NF1 are known to be pathogenic (PMID: 10712197, 23913538). This variant is not present in population databases (gnomAD no frequency). This variant has not been reported in the literature in individuals affected with NF1-related conditions. This variant disrupts a region of the NF1 protein in which other variant(s) (p.Leu552Pro) have been determined to be pathogenic (internal data). This suggests that this is a clinically significant region of the protein, and that variants that disrupt it are likely to be disease-causing. For these reasons, this variant has been classified as Pathogenic.

Literature cited by the submitters: PubMed 16199547; PubMed 10712197; PubMed 23913538.

NM_001042492.3(NF1):c.1642-1_1663del

Gene: NF1 (neurofibromin 1; plus strand). Cytogenetic location: 17q11.2.
Variant type: Deletion.
Coding change: c.1642-1_1663del on transcript NM_001042492.3 (MANE Select); the canonical splice acceptor site of the intron before coding-DNA position 1642 through coding-DNA position 1663, 23 bases deleted (GGCTCTGCTGGTTCTTCATCAGT).
Molecular consequence: splice acceptor variant.
Genome position (GRCh38, 1-based): chr17:31,221,849-31,221,871, GGCTCTGCTGGTTCTTCATCAGT deleted. VCF-style (leftmost placement, unchanged base first): chr17-31221848-AGGCTCTGCTGGTTCTTCATCAGT-A. GRCh37 (hg19) VCF-style: chr17-29548866-AGGCTCTGCTGGTTCTTCATCAGT-A.
Other names: c.1642-1_1663del (NM_000267.4, NM_001128147.3).
Identifiers: ClinVar variation 4719107 (VCV004719107.1).
Genomic context (GRCh38, chr17:31,221,848, plus strand): 5'-ATGTTTACCAAAAATGTTTGAGTGAGTCTTCTCTTTGTCTTTCTCTTTTTTAAAAAATTC[AGGCTCTGCTGGTTCTTCATCAGT>A]TAGATAGCATTGATTTGTGGAATCCTGATGCTCCTGTAGAAACATTTTGGGAGATTAGGT-3'